The following is an entry in ClinVar:

NM_018341.3(ERMARD):c.782T>C (p.Met261Thr)

Gene: ERMARD (ER membrane associated RNA degradation; plus strand). Cytogenetic location: 6q27.
Variant type: single nucleotide variant.
Coding change: c.782T>C on transcript NM_018341.3 (MANE Select); coding-DNA position 782, T replaced by C.
Protein change: p.Met261Thr; replaces methionine 261 with threonine.
Molecular consequence: missense variant.
Genome position (GRCh38, 1-based): chr6:169,760,681, T>C. VCF-style: chr6-169760681-T-C. GRCh37 (hg19) VCF-style: chr6-170160777-T-C.
Other names: c.782T>C, p.Met261Thr (NM_001278531.2, NM_001278533.2); c.404T>C, p.Met135Thr (NM_001278532.2, NM_001410957.1); short protein forms M261T, M135T.
Identifiers: ClinVar variation 2250013 (VCV002250013.5), dbSNP rs201697973, ClinGen allele CA4105994.

ClinVar aggregate classification (germline): Uncertain significance. Review status: criteria provided, multiple submitters, no conflicts (2 of 4 stars). 2 submissions from 2 submitters: Uncertain significance (2). Last evaluated 2022-12-20.

Allele frequency attached by ClinVar (database versions not stated): gnomAD 0.00002; gnomAD exomes 0.00004; ExAC 0.00005; TOPMed 0.00005; 1000 Genomes Project 30x 0.00016; 1000 Genomes Project 0.00020.

Submissions (2):

Labcorp Genetics (formerly Invitae), Labcorp
Classification: Uncertain significance. Last evaluated: 2022-12-20. Review status: criteria provided, single submitter. Criteria: Invitae Variant Classification Sherloc (09022015). Collection method: clinical testing. Allele origin: germline.
Comment: In summary, the available evidence is currently insufficient to determine the role of this variant in disease. Therefore, it has been classified as a Variant of Uncertain Significance. Advanced modeling of protein sequence and biophysical properties (such as structural, functional, and spatial information, amino acid conservation, physicochemical variation, residue mobility, and thermodynamic stability) performed at Invitae indicates that this missense variant is not expected to disrupt ERMARD protein function. This variant has not been reported in the literature in individuals affected with ERMARD-related conditions. This variant is present in population databases (rs201697973, gnomAD 0.007%). This sequence change replaces methionine, which is neutral and non-polar, with threonine, which is neutral and polar, at codon 261 of the ERMARD protein (p.Met261Thr).

Ambry Genetics
Classification: Uncertain significance. Last evaluated: 2021-09-16. Review status: criteria provided, single submitter. Criteria: Ambry Variant Classification Scheme 2023. Collection method: clinical testing. Allele origin: germline.